The following is an entry in ClinVar:

NM_015338.6(ASXL1):c.4189G>A (p.Gly1397Ser)

Gene: ASXL1 (ASXL transcriptional regulator 1; plus strand). Cytogenetic location: 20q11.21.
Variant type: single nucleotide variant.
Coding change: c.4189G>A on transcript NM_015338.6 (MANE Select); coding-DNA position 4189, G replaced by A.
Protein change: p.Gly1397Ser; replaces glycine 1397 with serine.
Molecular consequence: missense variant.
Genome position (GRCh38, 1-based): chr20:32,436,901, G>A. VCF-style: chr20-32436901-G-A. GRCh37 (hg19) VCF-style: chr20-31024704-G-A.
Other names: c.4006G>A, p.Gly1336Ser (NM_001363734.1); short protein forms G1397S, G1336S.
Identifiers: ClinVar variation 133598 (VCV000133598.45), dbSNP rs146464648, ClinGen allele CA157047.

ClinVar aggregate classification (germline): Benign/Likely benign. Review status: criteria provided, multiple submitters, no conflicts (2 of 4 stars). 11 submissions from 11 submitters: Benign (2); Likely benign (5). 4 of the submissions do not count toward it. Last evaluated 2026-03-01.

Conditions:
ASXL1-related disorder. Also called: ASXL1-related disorders; ASXL1-related condition.
Inborn genetic diseases. Identifiers: MedGen C0950123, MeSH D030342.
Bohring-Opitz syndrome. Also called: OPITZ TRIGONOCEPHALY-LIKE SYNDROME; ASXL1-Related Bohring-Opitz Syndrome; C-LIKE SYNDROME; BOHRING SYNDROME. Identifiers: Orphanet 97297, MedGen C0796232, MONDO:0011510, OMIM 605039.

Allele frequency attached by ClinVar (database versions not stated): gnomAD 0.00113 and 0.00147; TOPMed 0.00132; ESP Exome Variant Server 0.00146; gnomAD exomes 0.00182 and 0.00201; ExAC 0.00207; 1000 Genomes Project 0.00240; 1000 Genomes Project 30x 0.00265.
gnomAD v4.1: 2,867 of 1,614,200 alleles (0.18%); highest among the groups gnomAD compares: South Asian, 0.74%; 12 homozygotes.

Submissions (11):

CeGaT Center for Human Genetics Tuebingen
Classification: Likely benign. Last evaluated: 2026-03-01. Review status: criteria provided, single submitter. Criteria: CeGaT Center For Human Genetics Tuebingen Variant Classification Criteria Version 2. Collection method: clinical testing. Allele origin: germline. Affected: yes. Observed: 14 variant alleles.
Comment: ASXL1: BP4, BS1

Ambry Genetics
Classification: Likely benign for Inborn genetic diseases. Last evaluated: 2026-02-20. Review status: criteria provided, single submitter. Criteria: Ambry Variant Classification Scheme 2023. Collection method: clinical testing. Allele origin: germline.

Labcorp Genetics (formerly Invitae), Labcorp
Classification: Benign. Last evaluated: 2026-01-26. Review status: criteria provided, single submitter. Criteria: Invitae Variant Classification Sherloc (09022015). Collection method: clinical testing. Allele origin: germline.

Blueprint Genetics
Classification: Likely benign. Last evaluated: 2024-11-22. Review status: criteria provided, single submitter. Criteria: ACMG Guidelines, 2015. Collection method: clinical testing. Allele origin: germline.

Genome-Nilou Lab
Classification: Benign for Bohring-Opitz syndrome. Last evaluated: 2021-12-05. Review status: criteria provided, single submitter. Criteria: ACMG Guidelines, 2015. Collection method: clinical testing. Allele origin: germline. Affected: no.

GeneDx
Classification: Likely benign. Last evaluated: 2021-03-09. Review status: criteria provided, single submitter. Criteria: GeneDx Variant Classification Process June 2021. Collection method: clinical testing. Allele origin: germline. Affected: yes.
Comment: This variant is associated with the following publications: (PMID: 24448499, 19609284, 28386644, 24728327)

Breakthrough Genomics
Classification: Likely benign. Review status: criteria provided, single submitter. Criteria: ACMG Guidelines, 2015. Collection method: not provided. Allele origin: germline. Inheritance: Autosomal dominant inheritance. Affected: yes.

PreventionGenetics, part of Exact Sciences
Classification: Likely benign for ASXL1-related condition. Last evaluated: 2024-02-13. Review status: no assertion criteria provided. Collection method: clinical testing. Allele origin: germline. Not counted in ClinVar's aggregate classification.
Comment: This variant is classified as likely benign based on ACMG/AMP sequence variant interpretation guidelines (Richards et al. 2015 PMID: 25741868, with internal and published modifications).

ITMI
No classification provided. Condition: AllHighlyPenetrant. Last evaluated: 2013-09-19. Review status: no classification provided. Collection method: reference population. Allele origin: germline. Not counted in ClinVar's aggregate classification.
Comment: Please see associated publication for description of ethnicities

Clinical Genetics DNA and cytogenetics Diagnostics Lab, Erasmus MC, Erasmus Medical Center
Classification: Likely benign. Review status: no assertion criteria provided. Collection method: clinical testing. Allele origin: germline. Affected: yes. Study: VKGL Data-share Consensus. Not counted in ClinVar's aggregate classification.

Laboratory of Diagnostic Genome Analysis, Leiden University Medical Center (LUMC)
Classification: Likely benign. Review status: no assertion criteria provided. Collection method: clinical testing. Allele origin: germline. Affected: yes. Study: VKGL Data-share Consensus. Not counted in ClinVar's aggregate classification.

Literature cited by the submitters: PubMed 24728327 (cited by ITMI).